The following is an entry in ClinVar:

NM_013351.2(TBX21):c.831C>T (p.Asp277=)

Gene: TBX21 (T-box transcription factor 21; plus strand). Cytogenetic location: 17q21.32.
Variant type: single nucleotide variant.
Coding change: c.831C>T on transcript NM_013351.2 (MANE Select); coding-DNA position 831, C replaced by T.
Protein change: p.Asp277=; no amino-acid change (aspartic acid 277 retained).
Molecular consequence: synonymous variant.
Genome position (GRCh38, 1-based): chr17:47,744,257, C>T. VCF-style: chr17-47744257-C-T. GRCh37 (hg19) VCF-style: chr17-45821623-C-T.
Other names: c.831C>T (NM_013351.1).
Identifiers: ClinVar variation 4935751 (VCV004935751.2).

ClinVar aggregate classification (germline): Likely benign. Review status: criteria provided, multiple submitters, no conflicts (2 of 4 stars). 2 submissions from 2 submitters: Likely benign (2). Last evaluated 2026-04-23.

Conditions:
TBX21-related disorder. Also called: TBX21-related condition.

gnomAD v4.1: 845 of 1,614,210 alleles (0.052%); highest among the groups gnomAD compares: East Asian, 1.1%; 6 homozygotes.

Submissions (2):

PreventionGenetics, part of Exact Sciences
Classification: Likely benign for TBX21-related condition. Last evaluated: 2026-04-23. Review status: criteria provided, single submitter. Criteria: ACMG Guidelines, 2015. Collection method: clinical testing. Allele origin: germline.
Comment: This variant is classified as likely benign based on ACMG/AMP sequence variant interpretation guidelines (Richards et al. 2015 PMID: 25741868, with internal and published modifications).

Blueprint Genetics
Classification: Likely benign. Last evaluated: 2024-11-08. Review status: criteria provided, single submitter. Criteria: ACMG Guidelines, 2015. Collection method: clinical testing. Allele origin: germline.